The following is an entry in ClinVar:

NM_005529.7(HSPG2):c.11671+10C>T

Gene: HSPG2 (heparan sulfate proteoglycan 2; minus strand). Cytogenetic location: 1p36.12.
Variant type: single nucleotide variant.
Coding change: c.11671+10C>T on transcript NM_005529.7 (MANE Select); 10 bases into the intron after coding-DNA position 11671, C replaced by T.
Molecular consequence: intron variant.
Genome position (GRCh38, 1-based): chr1:21,830,972, G>A on the plus strand (C>T on the coding strand, the complement: HSPG2 is on the minus strand). VCF-style: chr1-21830972-G-A. GRCh37 (hg19) VCF-style: chr1-22157465-G-A.
Other names: c.11674+10C>T (NM_001291860.2); c.11671+10C>T (NM_005529.6).
Identifiers: ClinVar variation 875625 (VCV000875625.15), dbSNP rs540252244, ClinGen allele CA669691.

ClinVar aggregate classification (germline): Benign/Likely benign. Review status: criteria provided, multiple submitters, no conflicts (2 of 4 stars). 5 submissions from 4 submitters: Benign (1); Likely benign (3). 1 of the submissions does not count toward it. Last evaluated 2025-12-15.

Conditions:
Schwartz-Jampel syndrome. Also called: Myotonic myopathy dwarfism chondrodystrophy and ocular and facial abnormalities. Identifiers: Orphanet 800, MedGen C0036391, MONDO:0009717.
HSPG2-related disorder. Also called: HSPG2-related condition; HSPG2-related disorders.
Lethal Kniest-like syndrome (DDSH). Also called: Dyssegmental Dysplasia. Identifiers: Orphanet 1865, MedGen C1857100, MONDO:0009140, OMIM 224410.

Allele frequency attached by ClinVar (database versions not stated): gnomAD below 0.00001 and 0.00007; TOPMed 0.00004; gnomAD exomes 0.00017 and 0.00038; 1000 Genomes Project 30x 0.00047; 1000 Genomes Project 0.00060; ExAC 0.00132.

Submissions (5):

Labcorp Genetics (formerly Invitae), Labcorp
Classification: Benign. Last evaluated: 2025-12-15. Review status: criteria provided, single submitter. Criteria: Invitae Variant Classification Sherloc (09022015). Collection method: clinical testing. Allele origin: germline.

Blueprint Genetics
Classification: Likely benign. Last evaluated: 2023-12-18. Review status: criteria provided, single submitter. Criteria: ACMG Guidelines, 2015. Collection method: clinical testing. Allele origin: germline.

Illumina Laboratory Services, Illumina
Classification: Likely benign for Schwartz-Jampel syndrome type 1. Last evaluated: 2018-01-13. Review status: criteria provided, single submitter. Criteria: ICSL Variant Classification Criteria 13 December 2019. Collection method: clinical testing. Allele origin: germline.
Comment: This variant was observed in the ICSL laboratory as part of a predisposition screen in an ostensibly healthy population. It had not been previously curated by ICSL or reported in the Human Gene Mutation Database (HGMD: prior to June 1st, 2018), and was therefore a candidate for classification through an automated scoring system. Utilizing variant allele frequency, disease prevalence and penetrance estimates, and inheritance mode, an automated score was calculated to assess if this variant is too frequent to cause the disease. Based on the score and internal cut-off values, a variant classified as likely benign is not then subjected to further curation. The score for this variant resulted in a classification of likely benign for this disease.

Illumina Laboratory Services, Illumina
Classification: Likely benign for Lethal Kniest-like syndrome. Last evaluated: 2018-01-13. Review status: criteria provided, single submitter. Criteria: ICSL Variant Classification Criteria 13 December 2019. Collection method: clinical testing. Allele origin: germline.
Comment: the same text as in the submission from Illumina Laboratory Services, Illumina above.

PreventionGenetics, part of Exact Sciences
Classification: Likely benign for HSPG2-related condition. Last evaluated: 2019-10-28. Review status: no assertion criteria provided. Collection method: clinical testing. Allele origin: germline. Not counted in ClinVar's aggregate classification.
Comment: This variant is classified as likely benign based on ACMG/AMP sequence variant interpretation guidelines (Richards et al. 2015 PMID: 25741868, with internal and published modifications).